The following is an entry in ClinVar:

NM_001042432.2(CLN3):c.-93T>G

Gene: CLN3 (CLN3 lysosomal/endosomal transmembrane protein, battenin; minus strand). Cytogenetic location: 16p12.1.
Variant type: single nucleotide variant.
Coding change: c.-93T>G on transcript NM_001042432.2 (MANE Select); 93 bases upstream of the start codon, T replaced by G.
Molecular consequence: 5 prime UTR variant.
Genome position (GRCh38, 1-based): chr16:28,492,036, A>C on the plus strand (T>G on the coding strand, the complement: CLN3 is on the minus strand). VCF-style: chr16-28492036-A-C. GRCh37 (hg19) VCF-style: chr16-28503357-A-C.
Other names: c.-277T>G (NM_000086.2); c.-93T>G (NM_001286104.2); c.-418T>G (NM_001286105.2); c.-360T>G (NM_001286109.2, NM_001286110.2).
Identifiers: ClinVar variation 668379 (VCV000668379.1), dbSNP rs1050754043, ClinGen allele CA279790851.

ClinVar aggregate classification (germline): Likely benign (1 of 4 stars; one submission).

Allele frequency attached by ClinVar (database versions not stated): gnomAD 0.00002; TOPMed 0.00002; gnomAD exomes 0.00003.
gnomAD v4.1: 14 of 574,392 alleles (0.0024%); highest among the groups gnomAD compares: African/African-American, 0.0075%; no homozygotes.

Submission:

GeneDx
Classification: Likely benign. Last evaluated: 2018-05-14. Review status: criteria provided, single submitter. Criteria: GeneDx Variant Classification (06012015). Collection method: clinical testing. Allele origin: germline. Affected: yes.
Comment: This variant is considered likely benign or benign based on one or more of the following criteria: it is a conservative change, it occurs at a poorly conserved position in the protein, it is predicted to be benign by multiple in silico algorithms, and/or has population frequency not consistent with disease.